The following is an entry in ClinVar:

NM_138780.3(SYTL5):c.364G>A (p.Glu122Lys)

Gene: SYTL5 (synaptotagmin like 5; plus strand). Cytogenetic location: Xp11.4.
Variant type: single nucleotide variant.
Coding change: c.364G>A on transcript NM_138780.3 (MANE Select); coding-DNA position 364, G replaced by A.
Protein change: p.Glu122Lys; replaces glutamic acid 122 with lysine.
Molecular consequence: missense variant.
Genome position (GRCh38, 1-based): chrX:38,072,081, G>A. VCF-style: chrX-38072081-G-A. GRCh37 (hg19) VCF-style: chrX-37931334-G-A.
Other names: c.364G>A, p.Glu122Lys (NM_001163334.1, NM_001163335.2); short protein forms E122K.
Identifiers: ClinVar variation 4865279 (VCV004865279.1).

ClinVar aggregate classification (germline): Uncertain significance (1 of 4 stars; one submission).

gnomAD v4.1: 29 of 1,208,070 alleles (0.0024%); highest among the groups gnomAD compares: Non-Finnish European, 0.0031%; no homozygotes.

Submission:

Ambry Genetics
Classification: Uncertain significance. Last evaluated: 2026-05-27. Review status: criteria provided, single submitter. Criteria: Ambry Variant Classification Scheme 2023. Collection method: clinical testing. Allele origin: germline.
Comment: The c.364G>A (p.E122K) alteration is located in exon 4 (coding exon 3) of the SYTL5 gene. This alteration results from a G to A substitution at nucleotide position 364, causing the glutamic acid (E) at amino acid position 122 to be replaced by a lysine (K). Based on data from gnomAD, the A allele has an overall frequency of 0.002% (3/182932) total alleles studied. The highest observed frequency was 0.004% (3/81700) of European (non-Finnish) alleles. Based on insufficient or conflicting evidence, the clinical significance of this alteration remains unclear.